The following is an entry in ClinVar:

NM_002204.4(ITGA3):c.399T>C (p.Pro133=)

Genes: ITGA3 (integrin subunit alpha 3; plus strand), LOC126862584 (P300/CBP strongly-dependent group 1 enhancer GRCh37_chr17:48141472-48142671; plus strand). Cytogenetic location: 17q21.33.
Variant type: single nucleotide variant.
Coding change: c.399T>C on transcript NM_002204.4 (MANE Select); coding-DNA position 399, T replaced by C.
Protein change: p.Pro133=; no amino-acid change (proline 133 retained).
Molecular consequence: synonymous variant.
Genome position (GRCh38, 1-based): chr17:50,064,592, T>C. VCF-style: chr17-50064592-T-C. GRCh37 (hg19) VCF-style: chr17-48141956-T-C.
Other names: p.Pro133=.
Identifiers: ClinVar variation 784360 (VCV000784360.14), dbSNP rs2230391, ClinGen allele CA8641232.

ClinVar aggregate classification (germline): Benign/Likely benign. Review status: criteria provided, multiple submitters, no conflicts (2 of 4 stars). 4 submissions from 4 submitters: Benign (2); Likely benign (2). Last evaluated 2026-02-01.

Allele frequency attached by ClinVar (database versions not stated): gnomAD exomes 0.00109 and 0.00309; ExAC 0.00429; gnomAD 0.01230 and 0.01305; ESP Exome Variant Server 0.01299; TOPMed 0.01415; 1000 Genomes Project 0.01478; 1000 Genomes Project 30x 0.01593.
gnomAD v4.1: 3,506 of 1,612,676 alleles (0.22%); highest among the groups gnomAD compares: African/African-American, 4.2%; 75 homozygotes.

Submissions (4):

Labcorp Genetics (formerly Invitae), Labcorp
Classification: Benign. Last evaluated: 2026-02-01. Review status: criteria provided, single submitter. Criteria: Invitae Variant Classification Sherloc (09022015). Collection method: clinical testing. Allele origin: germline.

Mayo Clinic Laboratories, Mayo Clinic
Classification: Benign. Last evaluated: 2023-08-14. Review status: criteria provided, single submitter. Criteria: ACMG Guidelines, 2015. Collection method: clinical testing. Allele origin: germline. Observed: 5 variant alleles.
Comment: BS1, BS2, BP4, BP7

GeneDx
Classification: Likely benign. Last evaluated: 2020-03-25. Review status: criteria provided, single submitter. Criteria: GeneDx Variant Classification Process June 2021. Collection method: clinical testing. Allele origin: germline. Affected: yes.

Breakthrough Genomics
Classification: Likely benign. Review status: criteria provided, single submitter. Criteria: ACMG Guidelines, 2015. Collection method: not provided. Allele origin: germline. Inheritance: Autosomal recessive inheritance. Affected: yes.